The following is an entry in ClinVar:

ClinVar aggregate classification (germline): Uncertain significance. Review status: criteria provided, multiple submitters, no conflicts (2 of 4 stars). 6 submissions from 6 submitters: Uncertain significance (6). Last evaluated 2025-12-05.

Conditions:
Hereditary cancer-predisposing syndrome. Also called: Tumor predisposition; Hereditary neoplastic syndrome; Neoplastic Syndromes, Hereditary; Hereditary Cancer Syndrome. Identifiers: Orphanet 140162, MedGen C0027672, MeSH D009386, MONDO:0015356.
Familial adenomatous polyposis 1 (FAP1). Also called: FAMILIAL ADENOMATOUS POLYPOSIS 1, ATTENUATED; POLYPOSIS, ADENOMATOUS INTESTINAL. Identifiers: MedGen C2713442, MONDO:0021056, OMIM 175100. Disease mechanism: loss of function.
Classic or attenuated familial adenomatous polyposis. Identifiers: MedGen CN372698, MONDO:0021057.

Allele frequency attached by ClinVar (database versions not stated): gnomAD 0.00001; TOPMed 0.00001.
gnomAD v4.1: 2 of 1,613,834 alleles (0.00012%); highest among the groups gnomAD compares: East Asian, 0.0022%; no homozygotes.

Submissions (6):

Labcorp Genetics (formerly Invitae), Labcorp
Classification: Uncertain significance for Familial adenomatous polyposis 1. Last evaluated: 2025-12-05. Review status: criteria provided, single submitter. Criteria: Invitae Variant Classification Sherloc (09022015). Collection method: clinical testing. Allele origin: germline.
Comment: This sequence change replaces glutamine, which is neutral and polar, with histidine, which is basic and polar, at codon 394 of the APC protein (p.Gln394His). This variant is present in population databases (rs776197565, gnomAD 0.006%). This variant has not been reported in the literature in individuals affected with APC-related conditions. ClinVar contains an entry for this variant (Variation ID: 818469). Invitae Evidence Modeling of protein sequence and biophysical properties (such as structural, functional, and spatial information, amino acid conservation, physicochemical variation, residue mobility, and thermodynamic stability) indicates that this missense variant is not expected to disrupt APC protein function with a negative predictive value of 95%. In summary, the available evidence is currently insufficient to determine the role of this variant in disease. Therefore, it has been classified as a Variant of Uncertain Significance.

Ambry Genetics
Classification: Uncertain significance for Hereditary cancer-predisposing syndrome. Last evaluated: 2025-06-20. Review status: criteria provided, single submitter. Criteria: Ambry Variant Classification Scheme 2023. Collection method: clinical testing. Allele origin: germline.
Comment: The p.Q394H variant (also known as c.1182G>T), located in coding exon 9 of the APC gene, results from a G to T substitution at nucleotide position 1182. The glutamine at codon 394 is replaced by histidine, an amino acid with highly similar properties. This amino acid position is highly conserved in available vertebrate species. In addition, in silico predictors for this gene do not accurately predict pathogenicity. Since supporting evidence is limited at this time, the clinical significance of this alteration remains unclear.

All of Us Research Program, National Institutes of Health
Classification: Uncertain significance for Classic or attenuated familial adenomatous polyposis. Last evaluated: 2024-04-25. Review status: criteria provided, single submitter. Criteria: ACMG Guidelines, 2015. Collection method: clinical testing. Allele origin: germline. Inheritance: Autosomal dominant inheritance. Observed: 1 variant allele, 1 heterozygote.
Comment: This missense variant replaces glutamine with histidine at codon 394 of the APC protein. Computational prediction suggests that this variant may not impact protein structure and function (internally defined REVEL score threshold <= 0.5, PMID: 27666373). To our knowledge, functional studies have not been reported for this variant. This variant has not been reported in individuals affected with APC-related disorders in the literature. This variant has been identified in 1/250578 chromosomes in the general population by the Genome Aggregation Database (gnomAD). The available evidence is insufficient to determine the role of this variant in disease conclusively. Therefore, this variant is classified as a Variant of Uncertain Significance.

This study involves interpretation of variants in research participants for the purpose of population health screening. Participant phenotype was not available at the time of variant classification. Additional details can be found in publication PMID: 35346344, PMCID: PMC8962531

Color Diagnostics, LLC DBA Color Health
Classification: Uncertain significance for Hereditary cancer-predisposing syndrome. Last evaluated: 2023-12-05. Review status: criteria provided, single submitter. Criteria: ACMG Guidelines, 2015. Collection method: clinical testing. Allele origin: germline.
Comment: This missense variant replaces glutamine with histidine at codon 394 of the APC protein. Computational prediction suggests that this variant may not impact protein structure and function (internally defined REVEL score threshold <= 0.5, PMID: 27666373). To our knowledge, functional studies have not been reported for this variant. This variant has not been reported in individuals affected with APC-related disorders in the literature. This variant has been identified in 1/250578 chromosomes in the general population by the Genome Aggregation Database (gnomAD). The available evidence is insufficient to determine the role of this variant in disease conclusively. Therefore, this variant is classified as a Variant of Uncertain Significance.

GeneDx
Classification: Uncertain significance. Last evaluated: 2023-10-23. Review status: criteria provided, single submitter. Criteria: GeneDx Variant Classification Process June 2021. Collection method: clinical testing. Allele origin: germline. Affected: yes.
Comment: Not observed at significant frequency in large population cohorts (gnomAD); In silico analysis supports that this missense variant has a deleterious effect on protein structure/function; Observed in a pediatric patient with acute lymphoblastic leukemia (PMID: 26580448); This variant is associated with the following publications: (PMID: 26580448)

St. Jude Molecular Pathology, St. Jude Children's Research Hospital
Classification: Uncertain significance for Familial adenomatous polyposis 1. Last evaluated: 2023-05-10. Review status: criteria provided, single submitter. Criteria: St. Jude Assertion Criteria 2020. Collection method: clinical testing. Allele origin: germline.
Comment: The APC c.1182G>T (p.Gln394His) missense change has a maximum subpopulation frequency of 0.005% in gnomAD v2.1.1. The in silico tool REVEL predicts a benign effect of this variant on protein function, but to our knowledge functional studies have not been performed. To our knowledge, this variant has not been reported in individuals with APC-related familial adenomatous polyposis. In summary, the evidence currently available is insufficient to determine the clinical significance of this variant. It has therefore been classified as of uncertain significance.?

NM_000038.6(APC):c.1182G>T (p.Gln394His)

Gene: APC (APC regulator of Wnt signaling pathway; plus strand). Cytogenetic location: 5q22.2.
Variant type: single nucleotide variant.
Coding change: c.1182G>T on transcript NM_000038.6 (MANE Select); coding-DNA position 1182, G replaced by T.
Protein change: p.Gln394His; replaces glutamine 394 with histidine.
Molecular consequence: missense variant. On other transcripts: intron variant (4).
Genome position (GRCh38, 1-based): chr5:112,819,214, G>T. VCF-style: chr5-112819214-G-T. GRCh37 (hg19) VCF-style: chr5-112154911-G-T.
Other names: c.1182G>T, p.Gln394His (NM_001127510.3, NM_001354895.2, NM_001354896.2); c.1128G>T, p.Gln376His (NM_001127511.3); c.1212G>T, p.Gln404His (NM_001354897.2); c.1107G>T, p.Gln369His (NM_001354898.2); c.1098G>T, p.Gln366His (NM_001354899.2); c.1005G>T, p.Gln335His (NM_001354900.2, NM_001354901.2); c.333G>T, p.Gln111His (NM_001354906.2); c.964-55G>T (NM_001354902.2); and 3 more; short protein forms Q366H, Q369H, Q404H, Q376H, Q111H, Q335H, Q394H.
Identifiers: ClinVar variation 818469 (VCV000818469.18), dbSNP rs776197565, ClinGen allele CA026849.